The following is an entry in ClinVar:

NM_014215.3(INSRR):c.229A>T (p.Thr77Ser)

Genes: INSRR (insulin receptor related receptor; minus strand), NTRK1 (neurotrophic receptor tyrosine kinase 1; plus strand). Cytogenetic location: 1q23.1.
Variant type: single nucleotide variant.
Coding change: c.229A>T on transcript NM_014215.3 (MANE Select); coding-DNA position 229, A replaced by T.
Protein change: p.Thr77Ser; replaces threonine 77 with serine.
Molecular consequence: missense variant. On other transcripts: intron variant (1).
Genome position (GRCh38, 1-based): chr1:156,854,160, T>A on the plus strand (A>T on the coding strand, the complement: INSRR is on the minus strand). VCF-style: chr1-156854160-T-A. GRCh37 (hg19) VCF-style: chr1-156823952-T-A.
Other names: c.123-10194T>A (NM_001007792.1); short protein forms T77S.
Identifiers: ClinVar variation 2459725 (VCV002459725.2), dbSNP rs199848379, ClinGen allele CA1168744.
Genomic context (GRCh38, chr1:156,854,160, plus strand): 5'-GGTCGCGCAGGCTCTCCAGTCCGTAGACACGGAAGAGCAGCAGGTAGTCGGTGACCTGGG[T>A]GAGGCGAGGGAAGCTGAGGCCGCGGAAGTCCTCCCCGGTGGCTGTGAACATGAGCAGGAT-3'
Protein context (NP_055030.1, residues 67-87): DFRGLSFPRL[Thr77Ser]QVTDYLLLFR

ClinVar aggregate classification (germline): Uncertain significance (1 of 4 stars; one submission).

Allele frequency attached by ClinVar (database versions not stated): gnomAD 0.00007; TOPMed 0.00006; ESP Exome Variant Server 0.00008; ExAC 0.00011; gnomAD exomes 0.00012.
gnomAD v4.1: 181 of 1,613,972 alleles (0.011%); highest among the groups gnomAD compares: Middle Eastern, 0.016%; no homozygotes.

Submission:

Ambry Genetics
Classification: Uncertain significance. Last evaluated: 2025-11-19. Review status: criteria provided, single submitter. Criteria: Ambry Variant Classification Scheme 2023. Collection method: clinical testing. Allele origin: germline.
Comment: The c.229A>T (p.T77S) alteration is located in exon 2 (coding exon 2) of the INSRR gene. This alteration results from a A to T substitution at nucleotide position 229, causing the threonine (T) at amino acid position 77 to be replaced by a serine (S). Based on data from gnomAD, the T allele has an overall frequency of 0.01% (27/282032) total alleles studied. The highest observed frequency was 0.02% (25/128516) of European (non-Finnish) alleles. Based on insufficient or conflicting evidence, the clinical significance of this alteration remains unclear.